The following is an entry in ClinVar:

ClinVar aggregate classification (germline): Conflicting classifications of pathogenicity. Review status: criteria provided, conflicting classifications (1 of 4 stars). 3 submissions from 3 submitters: Uncertain significance (2); Likely benign (1). Last evaluated 2024-03-15.

Conditions:
Inborn genetic diseases. Identifiers: MedGen C0950123, MeSH D030342.
Combined immunodeficiency due to LRBA deficiency. Also called: Common variable immunodeficiency 8, with autoimmunity. Identifiers: Orphanet 445018, MedGen C3553512, MONDO:0013863, OMIM 614700.

Allele frequency attached by ClinVar (database versions not stated): gnomAD below 0.00001 and 0.00005; ExAC 0.00014; 1000 Genomes Project 0.00020; 1000 Genomes Project 30x 0.00031.
gnomAD v4.1: 80 of 1,613,316 alleles (0.005%); highest among the groups gnomAD compares: South Asian, 0.085%; 1 homozygote.

Submissions (3):

Ambry Genetics
Classification: Uncertain significance for Inborn genetic diseases. Last evaluated: 2024-03-15. Review status: criteria provided, single submitter. Criteria: Ambry Variant Classification Scheme 2023. Collection method: clinical testing. Allele origin: germline.

Labcorp Genetics (formerly Invitae), Labcorp
Classification: Uncertain significance for Combined immunodeficiency due to LRBA deficiency. Last evaluated: 2021-08-27. Review status: criteria provided, single submitter. Criteria: Invitae Variant Classification Sherloc (09022015). Collection method: clinical testing. Allele origin: germline.
Comment: This sequence change replaces proline with alanine at codon 1269 of the LRBA protein (p.Pro1269Ala). The proline residue is weakly conserved and there is a small physicochemical difference between proline and alanine. This variant is present in population databases (rs555169864, ExAC 0.1%). This variant has not been reported in the literature in individuals affected with LRBA-related conditions. Algorithms developed to predict the effect of missense changes on protein structure and function are either unavailable or do not agree on the potential impact of this missense change (SIFT: "Deleterious"; PolyPhen-2: "Benign"; Align-GVGD: "Class C0"). In summary, the available evidence is currently insufficient to determine the role of this variant in disease. Therefore, it has been classified as a Variant of Uncertain Significance.

Dubai Health Genomic Medicine Center, Dubai Health
Classification: Likely benign for Combined immunodeficiency due to LRBA deficiency. Last evaluated: 2020-09-13. Review status: criteria provided, single submitter. Criteria: ACMG Guidelines, 2015. Collection method: clinical testing. Allele origin: germline. Affected: yes.

NM_001364905.1(LRBA):c.3805C>G (p.Pro1269Ala)

Gene: LRBA (LPS responsive beige-like anchor protein; minus strand). Cytogenetic location: 4q31.3.
Variant type: single nucleotide variant.
Coding change: c.3805C>G on transcript NM_001364905.1 (MANE Select); coding-DNA position 3805, C replaced by G.
Protein change: p.Pro1269Ala; replaces proline 1269 with alanine.
Molecular consequence: missense variant.
Genome position (GRCh38, 1-based): chr4:150,851,905, G>C on the plus strand (C>G on the coding strand, the complement: LRBA is on the minus strand). VCF-style: chr4-150851905-G-C. GRCh37 (hg19) VCF-style: chr4-151773057-G-C.
Other names: c.3805C>G, p.Pro1269Ala (NM_001199282.3, NM_001367550.1, NM_006726.5); short protein forms P1269A.
Identifiers: ClinVar variation 1008889 (VCV001008889.10), dbSNP rs555169864, ClinGen allele CA3102987.